The following is an entry in ClinVar:

ClinVar aggregate classification (germline): Uncertain significance. Review status: criteria provided, multiple submitters, no conflicts (2 of 4 stars). 2 submissions from 2 submitters: Uncertain significance (2). Last evaluated 2024-06-12.

Conditions:
Hypertrophic cardiomyopathy 14. Identifiers: MedGen C2750467, MONDO:0013197, OMIM 613251.

Allele frequency attached by ClinVar (database versions not stated): gnomAD exomes below 0.00001; TOPMed 0.00002.
gnomAD v4.1: 1 of 1,614,220 alleles (0.000062%); highest among the groups gnomAD compares: Admixed American, 0.0017%; no homozygotes.

Submissions (2):

GeneDx
Classification: Uncertain significance. Last evaluated: 2024-06-12. Review status: criteria provided, single submitter. Criteria: GeneDx Variant Classification Process June 2021. Collection method: clinical testing. Allele origin: germline. Affected: yes.
Comment: Not observed at significant frequency in large population cohorts (gnomAD); In silico analysis supports that this missense variant has a deleterious effect on protein structure/function; Has not been previously published as pathogenic or benign to our knowledge

Labcorp Genetics (formerly Invitae), Labcorp
Classification: Uncertain significance for Hypertrophic cardiomyopathy 14. Last evaluated: 2020-01-23. Review status: criteria provided, single submitter. Criteria: Invitae Variant Classification Sherloc (09022015). Collection method: clinical testing. Allele origin: germline.
Comment: This variant has not been reported in the literature in individuals with MYH6-related conditions. In summary, the available evidence is currently insufficient to determine the role of this variant in disease. Therefore, it has been classified as a Variant of Uncertain Significance. Algorithms developed to predict the effect of missense changes on protein structure and function (SIFT, PolyPhen-2, Align-GVGD) all suggest that this variant is likely to be tolerated, but these predictions have not been confirmed by published functional studies and their clinical significance is uncertain. This variant is not present in population databases (ExAC no frequency). This sequence change replaces methionine with isoleucine at codon 686 of the MYH6 protein (p.Met686Ile). The methionine residue is weakly conserved and there is a small physicochemical difference between methionine and isoleucine.

NM_002471.4(MYH6):c.2058G>A (p.Met686Ile)

Gene: MYH6 (myosin heavy chain 6; minus strand). Cytogenetic location: 14q11.2.
Variant type: single nucleotide variant.
Coding change: c.2058G>A on transcript NM_002471.4 (MANE Select); coding-DNA position 2058, G replaced by A.
Protein change: p.Met686Ile; replaces methionine 686 with isoleucine.
Molecular consequence: missense variant.
Genome position (GRCh38, 1-based): chr14:23,397,073, C>T on the plus strand (G>A on the coding strand, the complement: MYH6 is on the minus strand). VCF-style: chr14-23397073-C-T. GRCh37 (hg19) VCF-style: chr14-23866282-C-T.
Other names: c.2058G>A (NM_002471.3); short protein forms M686I.
Identifiers: ClinVar variation 1017763 (VCV001017763.9), dbSNP rs1280689085, ClinGen allele CA389019078.